The following is an entry in ClinVar:

NM_024642.5(GALNT12):c.352C>G (p.Pro118Ala)

Gene: GALNT12 (polypeptide N-acetylgalactosaminyltransferase 12; plus strand). Cytogenetic location: 9q22.33.
Variant type: single nucleotide variant.
Coding change: c.352C>G on transcript NM_024642.5 (MANE Select); coding-DNA position 352, C replaced by G.
Protein change: p.Pro118Ala; replaces proline 118 with alanine.
Molecular consequence: missense variant.
Genome position (GRCh38, 1-based): chr9:98,808,050, C>G. VCF-style: chr9-98808050-C-G. GRCh37 (hg19) VCF-style: chr9-101570332-C-G.
Other names: short protein forms P118A.
Identifiers: ClinVar variation 4871632 (VCV004871632.1).

ClinVar aggregate classification (germline): Uncertain significance (1 of 4 stars; one submission).

Submission:

Ambry Genetics
Classification: Uncertain significance. Last evaluated: 2026-03-27. Review status: criteria provided, single submitter. Criteria: Ambry Variant Classification Scheme 2023. Collection method: clinical testing. Allele origin: germline.
Comment: The p.P118A variant (also known as c.352C>G), located in coding exon 1 of the GALNT12 gene, results from a C to G substitution at nucleotide position 352. The proline at codon 118 is replaced by alanine, an amino acid with highly similar properties. This amino acid position is conserved. In addition, this alteration is predicted to be tolerated by in silico analysis. Based on the available evidence, the clinical significance of this variant remains unclear.